The following is an entry in ClinVar:

ClinVar aggregate classification (germline): Uncertain significance (1 of 4 stars; one submission).

Submission:

Women's Health and Genetics/Laboratory Corporation of America, LabCorp
Classification: Uncertain significance. Last evaluated: 2022-10-25. Review status: criteria provided, single submitter. Criteria: LabCorp Variant Classification Summary - May 2015. Collection method: clinical testing. Allele origin: germline.
Comment: Variant summary: The variant identified by MLPA or other technology involves the duplication of exons 5-7 in the LOXHD1 gene. A presumed nomenclature of c.(511+1_512-1)_(883+1_884-1)dup has been designated for the purposes of this classification. It has been assumed that this is a tandem duplication in direct orientation (Richardson_GIM_2018, Newman_AJHG_2015). Although exact breakpoints of this duplication are not known, it is expected to result in a large in-frame duplication change in the LOXHD1 gene. The variant was absent in 21694 control chromosomes. The available data on variant occurrences in the general population are insufficient to allow any conclusion about variant significance. To our knowledge, no occurrence of c.(511+1_512-1)_(883+1_884-1)dup in individuals affected with Nonsyndromic Hearing Loss And Deafness, Type 77 and no experimental evidence demonstrating its impact on protein function have been reported. No clinical diagnostic laboratories have submitted clinical-significance assessments for this variant to ClinVar after 2014. Based on the evidence outlined above, the variant was classified as uncertain significance.

NC_000018.9:g.(44181431_44184068)_(44198254_44219578)dup

Gene: LOXHD1 (lipoxygenase homology PLAT domains 1; minus strand). Cytogenetic location: 18q21.1.
Variant type: Duplication.
Identifiers: ClinVar variation 1723389 (VCV001723389.1).